The following is an entry in ClinVar:

NM_001103.4(ACTN2):c.2528C>A (p.Pro843Gln)

Gene: ACTN2 (actinin alpha 2; plus strand). Cytogenetic location: 1q43.
Variant type: single nucleotide variant.
Coding change: c.2528C>A on transcript NM_001103.4 (MANE Select); coding-DNA position 2528, C replaced by A.
Protein change: p.Pro843Gln; replaces proline 843 with glutamine.
Molecular consequence: missense variant. On other transcripts: non-coding transcript variant (1).
Genome position (GRCh38, 1-based): chr1:236,762,462, C>A. VCF-style: chr1-236762462-C-A. GRCh37 (hg19) VCF-style: chr1-236925762-C-A.
Other names: c.2528C>A, p.Pro843Gln (NM_001278343.2); c.1904C>A, p.Pro635Gln (NM_001278344.2); c.1778C>A, p.Pro593Gln (NM_001412150.1); c.2528C>A (NM_001103.2); short protein forms P593Q, P635Q, P843Q.
Identifiers: ClinVar variation 2922933 (VCV002922933.10), dbSNP rs766813897, ClinGen allele CA1473484.

ClinVar aggregate classification (germline): Uncertain significance. Review status: criteria provided, multiple submitters, no conflicts (2 of 4 stars). 3 submissions from 3 submitters: Uncertain significance (3). Last evaluated 2025-10-01.

Conditions:
Dilated cardiomyopathy 1AA (CMD1AA). Also called: Cardiomyopathy, dilated, 1AA, with or without LVNC; CARDIOMYOPATHY, DILATED, 1AA, WITH OR WITHOUT LEFT VENTRICULAR NONCOMPACTION; CARDIOMYOPATHY, FAMILIAL HYPERTROPHIC, 23, WITH OR WITHOUT LEFT VENTRICULAR NONCOMPACTION. Identifiers: Orphanet 154, MedGen C2677338, MONDO:0012808, OMIM 612158.
Primary familial hypertrophic cardiomyopathy (HCM). Identifiers: Orphanet 99739, MedGen C0949658, MeSH D024741, MONDO:0024573. Inheritance: Various modes of inheritance.
Cardiovascular phenotype. Identifiers: MedGen CN230736.

gnomAD v4.1: 1 of 1,614,108 alleles (0.000062%); highest among the groups gnomAD compares: Admixed American, 0.0017%; no homozygotes.

Submissions (3):

CeGaT Center for Human Genetics Tuebingen
Classification: Uncertain significance. Last evaluated: 2025-10-01. Review status: criteria provided, single submitter. Criteria: CeGaT Center For Human Genetics Tuebingen Variant Classification Criteria Version 2. Collection method: clinical testing. Allele origin: germline. Affected: yes. Observed: 1 variant allele.
Comment: ACTN2: PM2

Labcorp Genetics (formerly Invitae), Labcorp
Classification: Uncertain significance for Primary familial hypertrophic cardiomyopathy; Dilated cardiomyopathy 1AA. Last evaluated: 2025-08-16. Review status: criteria provided, single submitter. Criteria: Invitae Variant Classification Sherloc (09022015). Collection method: clinical testing. Allele origin: germline.
Comment: This sequence change replaces proline, which is neutral and non-polar, with glutamine, which is neutral and polar, at codon 843 of the ACTN2 protein (p.Pro843Gln). This variant is present in population databases (rs766813897, gnomAD 0.003%). This variant has not been reported in the literature in individuals affected with ACTN2-related conditions. ClinVar contains an entry for this variant (Variation ID: 2922933). An algorithm developed to predict the effect of missense changes on protein structure and function (PolyPhen-2) suggests that this variant is likely to be tolerated. In summary, the available evidence is currently insufficient to determine the role of this variant in disease. Therefore, it has been classified as a Variant of Uncertain Significance.

Ambry Genetics
Classification: Uncertain significance for Cardiovascular phenotype. Last evaluated: 2025-02-04. Review status: criteria provided, single submitter. Criteria: Ambry Variant Classification Scheme 2023. Collection method: clinical testing. Allele origin: germline.